The following is an entry in ClinVar:

NM_177965.4(CFAP418):c.309-7C>T

Gene: CFAP418 (cilia and flagella associated protein 418; minus strand). Cytogenetic location: 8q22.1.
Variant type: single nucleotide variant.
Coding change: c.309-7C>T on transcript NM_177965.4 (MANE Select); 7 bases into the intron before coding-DNA position 309, C replaced by T.
Molecular consequence: intron variant.
Genome position (GRCh38, 1-based): chr8:95,259,912, G>A on the plus strand (C>T on the coding strand, the complement: CFAP418 is on the minus strand). VCF-style: chr8-95259912-G-A. GRCh37 (hg19) VCF-style: chr8-96272140-G-A.
Other names: c.309-7C>T (NM_001363260.1).
Identifiers: ClinVar variation 3356886 (VCV003356886.1).
Genomic context (GRCh38, chr8:95,259,912, plus strand): 5'-TTTGTTCCAATCCCACATGGAATAGAGCTTCCACCAAGGTACACCGGACTGCAACTAGAT[G>A]TGTTCAACAGATGCAAAAATATGAAGTTATAACAAAAAATAGGAGAAGTTAATTTGGCCA-3'

ClinVar aggregate classification (germline): Likely benign (0 of 4 stars; one submission).

Conditions:
CFAP418-related disorder. Also called: CFAP418-related condition.

gnomAD v4.1: 1 of 1,564,044 alleles (0.000064%); highest among the groups gnomAD compares: Admixed American, 0.0021%; no homozygotes.

Submission:

PreventionGenetics, part of Exact Sciences
Classification: Likely benign for CFAP418-related condition. Last evaluated: 2021-11-05. Review status: no assertion criteria provided. Collection method: clinical testing. Allele origin: germline.
Comment: This variant is classified as likely benign based on ACMG/AMP sequence variant interpretation guidelines (Richards et al. 2015 PMID: 25741868, with internal and published modifications).